The following is an entry in ClinVar:

NM_152564.5(VPS13B):c.11205C>G (p.Ile3735Met)

Gene: VPS13B (vacuolar protein sorting 13 homolog B; plus strand). Cytogenetic location: 8q22.2.
Variant type: single nucleotide variant.
Coding change: c.11205C>G on transcript NM_152564.5 (MANE Select); coding-DNA position 11205, C replaced by G.
Protein change: p.Ile3735Met; replaces isoleucine 3735 with methionine.
Molecular consequence: missense variant.
Genome position (GRCh38, 1-based): chr8:99,861,936, C>G. VCF-style: chr8-99861936-C-G. GRCh37 (hg19) VCF-style: chr8-100874164-C-G.
Other names: c.11205C>G (NM_152564.4); c.11280C>G, p.Ile3760Met (NM_017890.5); short protein forms I3760M, I3735M.
Identifiers: ClinVar variation 958890 (VCV000958890.13), dbSNP rs1359351082, ClinGen allele CA371790744.

ClinVar aggregate classification (germline): Uncertain significance. Review status: criteria provided, multiple submitters, no conflicts (2 of 4 stars). 3 submissions from 3 submitters: Uncertain significance (2). 1 of the submissions does not count toward it. Last evaluated 2022-11-01.

Conditions:
Cohen syndrome (COH1). Also called: Cutis verticis gyrata, retinitis pigmentosa, and sensorineural deafness; PEPPER SYNDROME. Identifiers: Orphanet 193, MedGen C0265223, MONDO:0008999, OMIM 216550.

Allele frequency attached by ClinVar (database versions not stated): TOPMed below 0.00001; gnomAD 0.00001.
gnomAD v4.1: 2 of 1,592,968 alleles (0.00013%); highest among the groups gnomAD compares: African/African-American, 0.0027%; no homozygotes.

Submissions (3):

Labcorp Genetics (formerly Invitae), Labcorp
Classification: Uncertain significance for Cohen syndrome. Last evaluated: 2022-11-01. Review status: criteria provided, single submitter. Criteria: Invitae Variant Classification Sherloc (09022015). Collection method: clinical testing. Allele origin: germline.
Comment: ClinVar contains an entry for this variant (Variation ID: 958890). This sequence change replaces isoleucine, which is neutral and non-polar, with methionine, which is neutral and non-polar, at codon 3760 of the VPS13B protein (p.Ile3760Met). This variant is present in population databases (no rsID available, gnomAD 0.01%). This variant has not been reported in the literature in individuals affected with VPS13B-related conditions. Advanced modeling of protein sequence and biophysical properties (such as structural, functional, and spatial information, amino acid conservation, physicochemical variation, residue mobility, and thermodynamic stability) performed at Invitae indicates that this missense variant is expected to disrupt VPS13B protein function. In summary, the available evidence is currently insufficient to determine the role of this variant in disease. Therefore, it has been classified as a Variant of Uncertain Significance.

New York Genome Center
Classification: Uncertain significance for Cohen syndrome. Last evaluated: 2022-07-01. Review status: criteria provided, single submitter. Criteria: NYGC Assertion Criteria 2020. Collection method: clinical testing. Allele origin: germline. Observed: 1 heterozygote.

Natera, Inc.
Classification: Uncertain significance for Cohen syndrome. Last evaluated: 2020-04-30. Review status: no assertion criteria provided. Collection method: clinical testing. Allele origin: germline. Not counted in ClinVar's aggregate classification.